The following is an entry in ClinVar:

NM_024753.5(TTC21B):c.1202A>G (p.His401Arg)

Gene: TTC21B (tetratricopeptide repeat domain 21B; minus strand). Cytogenetic location: 2q24.3.
Variant type: single nucleotide variant.
Coding change: c.1202A>G on transcript NM_024753.5 (MANE Select); coding-DNA position 1202, A replaced by G.
Protein change: p.His401Arg; replaces histidine 401 with arginine.
Molecular consequence: missense variant.
Genome position (GRCh38, 1-based): chr2:165,929,319, T>C on the plus strand (A>G on the coding strand, the complement: TTC21B is on the minus strand). VCF-style: chr2-165929319-T-C. GRCh37 (hg19) VCF-style: chr2-166785829-T-C.
Other names: short protein forms H401R.
Identifiers: ClinVar variation 1494622 (VCV001494622.3), dbSNP rs780159682, ClinGen allele CA1942197.

ClinVar aggregate classification (germline): Uncertain significance (1 of 4 stars; one submission).

Conditions:
Nephronophthisis. Also called: Juvenile Nephronophthisis. Identifiers: Orphanet 655, MedGen C0687120, MONDO:0019005, HP:0000090.
Jeune thoracic dystrophy. Also called: Jeune syndrome; Infantile thoracic dystrophy; Thoracic pelvic phalangeal dystrophy; Jeune's syndrome; Chondroectodermal dysplasia-like syndrome; Short-rib thoracic dysplasia. Identifiers: Orphanet 474, MedGen C0265275, MONDO:0018770.

Allele frequency attached by ClinVar (database versions not stated): gnomAD exomes 0.00001.

Submission:

Labcorp Genetics (formerly Invitae), Labcorp
Classification: Uncertain significance for Jeune thoracic dystrophy; Nephronophthisis. Last evaluated: 2021-11-13. Review status: criteria provided, single submitter. Criteria: Invitae Variant Classification Sherloc (09022015). Collection method: clinical testing. Allele origin: germline.
Comment: This sequence change replaces histidine, which is basic and polar, with arginine, which is basic and polar, at codon 401 of the TTC21B protein (p.His401Arg). This variant is present in population databases (rs780159682, gnomAD 0.0009%). This variant has not been reported in the literature in individuals affected with TTC21B-related conditions. Algorithms developed to predict the effect of missense changes on protein structure and function output the following: SIFT: "Tolerated"; PolyPhen-2: "Benign"; Align-GVGD: "Class C0". The arginine amino acid residue is found in multiple mammalian species, which suggests that this missense change does not adversely affect protein function. In summary, the available evidence is currently insufficient to determine the role of this variant in disease. Therefore, it has been classified as a Variant of Uncertain Significance.